The following is an entry in ClinVar:

ClinVar aggregate classification (germline): Uncertain significance. Review status: criteria provided, multiple submitters, no conflicts (2 of 4 stars). 3 submissions from 3 submitters: Uncertain significance (3). Last evaluated 2025-05-20.

Conditions:
Proteinuria, chronic benign. Identifiers: MedGen C5394384, MONDO:0030042, OMIM 618884.
Imerslund-Grasbeck syndrome type 1 (IGS1). Also called: Imerslund-Gräsbeck syndrome 1; Megaloblastic anemia 1, Finnish type; MEGALOBLASTIC ANEMIA, 1. Identifiers: MedGen C4016819, MONDO:0100156, OMIM 261100.
Inborn genetic diseases. Identifiers: MedGen C0950123, MeSH D030342.
Imerslund-Grasbeck syndrome. Also called: PERNICIOUS ANEMIA, JUVENILE, DUE TO SELECTIVE INTESTINAL MALABSORPTION OF VITAMIN B12, WITH PROTEINURIA; Megaloblastic anemia due to inborn errors of metabolism; ENTEROCYTE COBALAMIN MALABSORPTION; ENTEROCYTE INTRINSIC FACTOR RECEPTOR, DEFECT OF; Imerslund-Gräsbeck syndrome. Identifiers: Orphanet 35858, MedGen C4551825, MONDO:0009853.

Allele frequency attached by ClinVar (database versions not stated): gnomAD exomes 0.00001 and below 0.00001; gnomAD 0.00003 and 0.00004; ExAC 0.00001; TOPMed 0.00004.
gnomAD v4.1: 8 of 1,613,932 alleles (0.0005%); highest among the groups gnomAD compares: African/African-American, 0.011%; no homozygotes.

Submissions (3):

Ambry Genetics
Classification: Uncertain significance for Inborn genetic diseases. Last evaluated: 2025-05-20. Review status: criteria provided, single submitter. Criteria: Ambry Variant Classification Scheme 2023. Collection method: clinical testing. Allele origin: germline.

Labcorp Genetics (formerly Invitae), Labcorp
Classification: Uncertain significance for Imerslund-Grasbeck syndrome. Last evaluated: 2022-06-13. Review status: criteria provided, single submitter. Criteria: Invitae Variant Classification Sherloc (09022015). Collection method: clinical testing. Allele origin: germline.
Comment: This variant has not been reported in the literature in individuals affected with CUBN-related conditions. This variant is present in population databases (rs748558881, gnomAD 0.01%). This sequence change replaces glutamic acid, which is acidic and polar, with alanine, which is neutral and non-polar, at codon 1786 of the CUBN protein (p.Glu1786Ala). Algorithms developed to predict the effect of missense changes on protein structure and function are either unavailable or do not agree on the potential impact of this missense change (SIFT: "Tolerated"; PolyPhen-2: "Probably Damaging"; Align-GVGD: "Class C0"). In summary, the available evidence is currently insufficient to determine the role of this variant in disease. Therefore, it has been classified as a Variant of Uncertain Significance.

Fulgent Genetics
Classification: Uncertain significance for Imerslund-Grasbeck syndrome type 1; Proteinuria, chronic benign. Last evaluated: 2022-04-21. Review status: criteria provided, single submitter. Criteria: ACMG Guidelines, 2015. Collection method: clinical testing. Allele origin: unknown.

NM_001081.4(CUBN):c.5357A>C (p.Glu1786Ala)

Gene: CUBN (cubilin; minus strand). Cytogenetic location: 10p13.
Variant type: single nucleotide variant.
Coding change: c.5357A>C on transcript NM_001081.4 (MANE Select); coding-DNA position 5357, A replaced by C.
Protein change: p.Glu1786Ala; replaces glutamic acid 1786 with alanine.
Molecular consequence: missense variant.
Genome position (GRCh38, 1-based): chr10:16,940,223, T>G on the plus strand (A>C on the coding strand, the complement: CUBN is on the minus strand). VCF-style: chr10-16940223-T-G. GRCh37 (hg19) VCF-style: chr10-16982222-T-G.
Other names: c.5357A>C (NM_001081.3); short protein forms E1786A.
Identifiers: ClinVar variation 1492739 (VCV001492739.8), dbSNP rs748558881, ClinGen allele CA5424020.
Genomic context (GRCh38, chr10:16,940,223, plus strand): 5'-TGACCCGTGGCATTTCCTTCACGGATCTCCACAAAATCTCTGCTGCAGTCCTGAGAGTCT[T>G]CCAACTGGAAAGATCTGATTTGGGGAAAAAAATATTTAAAGGGATTAAATTGAGAGAATA-3'
Protein context (NP_001072.2, residues 1776-1796): LQLSFISFQL[Glu1786Ala]DSQDCSRDFV